The following is an entry in ClinVar:

NM_018965.4(TREM2):c.611G>A (p.Gly204Glu)

Gene: TREM2 (triggering receptor expressed on myeloid cells 2; minus strand). Cytogenetic location: 6p21.1.
Variant type: single nucleotide variant.
Coding change: c.611G>A on transcript NM_018965.4 (MANE Select); coding-DNA position 611, G replaced by A.
Protein change: p.Gly204Glu; replaces glycine 204 with glutamic acid.
Molecular consequence: missense variant. On other transcripts: intron variant (1).
Genome position (GRCh38, 1-based): chr6:41,158,938, C>T on the plus strand (G>A on the coding strand, the complement: TREM2 is on the minus strand). VCF-style: chr6-41158938-C-T. GRCh37 (hg19) VCF-style: chr6-41126676-C-T.
Other names: c.483-158G>A (NM_001271821.2); short protein forms G204E.
Identifiers: ClinVar variation 1380082 (VCV001380082.6), dbSNP rs769593356, ClinGen allele CA3798831.

ClinVar aggregate classification (germline): Uncertain significance (1 of 4 stars; one submission).

Allele frequency attached by ClinVar (database versions not stated): gnomAD 0.00001; gnomAD exomes 0.00001 and 0.00003; TOPMed 0.00001; ExAC 0.00002.
gnomAD v4.1: 11 of 1,614,102 alleles (0.00068%); highest among the groups gnomAD compares: East Asian, 0.022%; no homozygotes.

Submission:

Labcorp Genetics (formerly Invitae), Labcorp
Classification: Uncertain significance. Last evaluated: 2021-11-30. Review status: criteria provided, single submitter. Criteria: Invitae Variant Classification Sherloc (09022015). Collection method: clinical testing. Allele origin: germline.
Comment: In summary, the available evidence is currently insufficient to determine the role of this variant in disease. Therefore, it has been classified as a Variant of Uncertain Significance. Algorithms developed to predict the effect of missense changes on protein structure and function output the following: SIFT: "Tolerated"; PolyPhen-2: "Benign"; Align-GVGD: "Class C0". The glutamic acid amino acid residue is found in multiple mammalian species, which suggests that this missense change does not adversely affect protein function. This variant has not been reported in the literature in individuals affected with TREM2-related conditions. This variant is present in population databases (rs769593356, gnomAD 0.04%). This sequence change replaces glycine, which is neutral and non-polar, with glutamic acid, which is acidic and polar, at codon 204 of the TREM2 protein (p.Gly204Glu).